The following is an entry in ClinVar:

ClinVar aggregate classification (germline): Benign/Likely benign. Review status: criteria provided, multiple submitters, no conflicts (2 of 4 stars). 4 submissions from 4 submitters: Benign (2); Likely benign (1). 1 of the submissions does not count toward it. Last evaluated 2026-01-06.

Conditions:
KBG syndrome (KBGS). Also called: ANKRD11-Related KBG Syndrome. Identifiers: Orphanet 2332, MedGen C0220687, MONDO:0007846, OMIM 148050.
ANKRD11-related disorder. Also called: ANKRD11-related condition.

Allele frequency attached by ClinVar (database versions not stated): TOPMed 0.00001; gnomAD 0.00003; gnomAD exomes 0.00014 and 0.00026; ExAC 0.00027.
gnomAD v4.1: 197 of 1,613,844 alleles (0.012%); highest among the groups gnomAD compares: South Asian, 0.21%; 6 homozygotes.

Submissions (4):

Labcorp Genetics (formerly Invitae), Labcorp
Classification: Benign for KBG syndrome. Last evaluated: 2026-01-06. Review status: criteria provided, single submitter. Criteria: Invitae Variant Classification Sherloc (09022015). Collection method: clinical testing. Allele origin: germline.

Blueprint Genetics
Classification: Likely benign. Last evaluated: 2024-05-08. Review status: criteria provided, single submitter. Criteria: ACMG Guidelines, 2015. Collection method: clinical testing. Allele origin: germline.

GeneDx
Classification: Benign. Last evaluated: 2020-02-17. Review status: criteria provided, single submitter. Criteria: GeneDx Variant Classification Process June 2021. Collection method: clinical testing. Allele origin: germline. Affected: yes.

PreventionGenetics, part of Exact Sciences
Classification: Likely benign for ANKRD11-related condition. Last evaluated: 2021-06-17. Review status: no assertion criteria provided. Collection method: clinical testing. Allele origin: germline. Not counted in ClinVar's aggregate classification.
Comment: This variant is classified as likely benign based on ACMG/AMP sequence variant interpretation guidelines (Richards et al. 2015 PMID: 25741868, with internal and published modifications).

NM_013275.6(ANKRD11):c.546G>T (p.Arg182=)

Gene: ANKRD11 (ankyrin repeat domain 11; minus strand). Cytogenetic location: 16q24.3.
Variant type: single nucleotide variant.
Coding change: c.546G>T on transcript NM_013275.6 (MANE Select); coding-DNA position 546, G replaced by T.
Protein change: p.Arg182=; no amino-acid change (arginine 182 retained).
Molecular consequence: synonymous variant. On other transcripts: non-coding transcript variant (1).
Genome position (GRCh38, 1-based): chr16:89,290,680, C>A on the plus strand (G>T on the coding strand, the complement: ANKRD11 is on the minus strand). VCF-style: chr16-89290680-C-A. GRCh37 (hg19) VCF-style: chr16-89357088-C-A.
Other names: c.546G>T, p.Arg182= (NM_001256182.2, NM_001256183.2).
Identifiers: ClinVar variation 1273418 (VCV001273418.6), dbSNP rs772287589, ClinGen allele CA8243062.